The following is an entry in ClinVar:

NM_006757.4(TNNT3):c.701G>T (p.Arg234Leu)

Gene: TNNT3 (troponin T3, fast skeletal type; plus strand). Cytogenetic location: 11p15.5.
Variant type: single nucleotide variant.
Coding change: c.701G>T on transcript NM_006757.4 (MANE Select); coding-DNA position 701, G replaced by T.
Protein change: p.Arg234Leu; replaces arginine 234 with leucine.
Molecular consequence: missense variant. On other transcripts: intron variant (2).
Genome position (GRCh38, 1-based): chr11:1,936,982, G>T. VCF-style: chr11-1936982-G-T. GRCh37 (hg19) VCF-style: chr11-1958212-G-T.
Other names: c.695G>T, p.Arg232Leu (NM_001042781.3, NM_001367842.1); c.677G>T, p.Arg226Leu (NM_001042782.3, NM_001297646.2, NM_001367844.1 and 1 more transcripts); c.710G>T, p.Arg237Leu (NM_001363561.2, NM_001367847.1); c.734G>T, p.Arg245Leu (NM_001367846.1); c.698G>T, p.Arg233Leu (NM_001367848.1); c.689G>T, p.Arg230Leu (NM_001367849.1); c.644G>T, p.Arg215Leu (NM_001367850.1); c.497G>T, p.Arg166Leu (NM_001367851.1, NM_001367852.1); and 2 more; short protein forms R166L, R215L, R226L, R230L, R232L, R233L, R234L, R237L.
Identifiers: ClinVar variation 3602555 (VCV003602555.1).

ClinVar aggregate classification (germline): Uncertain significance (1 of 4 stars; one submission).

gnomAD v4.1: 11 of 1,605,814 alleles (0.00069%); highest among the groups gnomAD compares: Non-Finnish European, 0.00093%; no homozygotes.

Submission:

GeneDx
Classification: Uncertain significance. Last evaluated: 2024-08-03. Review status: criteria provided, single submitter. Criteria: GeneDx Variant Classification Process June 2021. Collection method: clinical testing. Allele origin: germline. Affected: yes.
Comment: Not observed at significant frequency in large population cohorts (gnomAD); In silico analysis supports that this missense variant has a deleterious effect on protein structure/function; Has not been previously published as pathogenic or benign to our knowledge